The following is an entry in ClinVar:

ClinVar aggregate classification (germline): Uncertain significance (1 of 4 stars; one submission).

Conditions:
Anauxetic dysplasia. Identifiers: Orphanet 93347, MedGen C1846796, MONDO:0011773.

gnomAD v4.1: 2 of 692,782 alleles (0.00029%); highest among the groups gnomAD compares: Non-Finnish European, 0.00052%; no homozygotes.

Submission:

Labcorp Genetics (formerly Invitae), Labcorp
Classification: Uncertain significance for Anauxetic dysplasia. Last evaluated: 2022-02-10. Review status: criteria provided, single submitter. Criteria: Invitae Variant Classification Sherloc (09022015). Collection method: clinical testing. Allele origin: germline.
Comment: This variant occurs in the RMRP gene, which encodes an RNA molecule that does not result in a protein product. This variant is present in population databases (no rsID available, gnomAD 0.002%). This variant has not been reported in the literature in individuals affected with RMRP-related conditions. Experimental studies and prediction algorithms are not available or were not evaluated, and the functional significance of this variant is currently unknown. In summary, the available evidence is currently insufficient to determine the role of this variant in disease. Therefore, it has been classified as a Variant of Uncertain Significance.

NC_000009.12:g.35657816G>C

Gene: RMRP (RNA component of mitochondrial RNA processing endoribonuclease; minus strand). Cytogenetic location: 9p13.3.
Variant type: single nucleotide variant.
Genome position: GRCh38 VCF-style: chr9-35657816-G-C. GRCh37 (hg19) VCF-style: chr9-35657813-G-C.
Identifiers: ClinVar variation 1405817 (VCV001405817.3), dbSNP rs964504772, ClinGen allele CA464450565.